The following is an entry in ClinVar:

NM_004612.4(TGFBR1):c.696G>C (p.Lys232Asn)

Gene: TGFBR1 (transforming growth factor beta receptor 1; plus strand). Cytogenetic location: 9q22.33.
Variant type: single nucleotide variant.
Coding change: c.696G>C on transcript NM_004612.4 (MANE Select); coding-DNA position 696, G replaced by C.
Protein change: p.Lys232Asn; replaces lysine 232 with asparagine.
Molecular consequence: missense variant.
Genome position (GRCh38, 1-based): chr9:99,137,980, G>C. VCF-style: chr9-99137980-G-C. GRCh37 (hg19) VCF-style: chr9-101900262-G-C.
Other names: p.K232N:AAG>AAC; c.465G>C, p.Lys155Asn (NM_001130916.3); c.708G>C, p.Lys236Asn (NM_001306210.2); short protein forms K232N, K155N, K236N.
Identifiers: ClinVar variation 213874 (VCV000213874.3), dbSNP rs863223811, ClinGen allele CA325117.

ClinVar aggregate classification (germline): Likely pathogenic. Review status: criteria provided, multiple submitters, no conflicts (2 of 4 stars). 2 submissions from 2 submitters: Likely pathogenic (2). Last evaluated 2019-10-24.

Conditions:
Ehlers-Danlos syndrome (EDS). Identifiers: Orphanet 98249, MedGen C0013720, MONDO:0020066.

Submissions (2):

Cambridge Genomics Laboratory, East Genomic Laboratory Hub, NHS Genomic Medicine Service
Classification: Likely pathogenic for Ehlers-Danlos syndrome. Last evaluated: 2019-10-24. Review status: criteria provided, single submitter. Criteria: ACGS Best Practice Guidelines for Variant Classification in Rare Disease 2020. Collection method: clinical testing. Allele origin: germline. Affected: yes. Observed: 1 variant allele.

GeneDx
Classification: Likely pathogenic. Last evaluated: 2013-04-14. Review status: criteria provided, single submitter. Criteria: GeneDx Variant Classification (06012015). Collection method: clinical testing. Allele origin: germline. Affected: yes.
Comment: p.Lys232Asn (AAG>AAC): c.696 G>C in exon 4 of the TGFBR1 gene (NM_004612.2) The Lys232Asn variant in the TGFBR1 gene has not been reported as a disease-causing mutation or as a benign polymorphism to our knowledge. Lys232Asn results in a semi-conservative amino acid substitution of a positively charged Lysine with a neutral, polar Asparagine at a position that is conserved across species. In silico analysis predicts Lys232Asn is probably damaging to the protein structure/function. Mutations in this codon (Lys232Glu) and in nearby residues (Glu218Lys, Phe234Leu) have been reported in association with Loeys-Dietz syndrome (LDS), further supporting the functional importance of this region of the protein. Furthermore, the Lys232Asn variant was not observed in approximately 6,500 individuals of European and African American ancestry in the NHLBI Exome Sequencing Project, indicating it is not a common benign variant in these populations. In summary, while Lys232Asn is a good candidate for a disease-causing mutation, with the clinical and molecular information available at this time we cannot unequivocally determine the clinical significance of this variant. This variant was found in TAAD